The following is an entry in ClinVar:

ClinVar aggregate classification (germline): Uncertain significance (1 of 4 stars; one submission).

Conditions:
Congenital myasthenic syndrome 4A. Also called: CONGENITAL MYASTHENIC SYNDROME TYPE Ia1; Myasthenic syndrome, congenital, 4a, slow-channel; MYASTHENIC SYNDROME, CONGENITAL, 4A, SLOW-CHANNEL, AUTOSOMAL RECESSIVE. Identifiers: Orphanet 590, MedGen C4225413, MONDO:0011600, OMIM 605809.

Allele frequency attached by ClinVar (database versions not stated): ExAC 0.00001; gnomAD 0.00001; TOPMed 0.00001.

Submission:

Labcorp Genetics (formerly Invitae), Labcorp
Classification: Uncertain significance for Congenital myasthenic syndrome 4A. Last evaluated: 2024-06-29. Review status: criteria provided, single submitter. Criteria: Invitae Variant Classification Sherloc (09022015). Collection method: clinical testing. Allele origin: germline.
Comment: This sequence change replaces arginine, which is basic and polar, with cysteine, which is neutral and slightly polar, at codon 26 of the CHRNE protein (p.Arg26Cys). This variant is not present in population databases (gnomAD no frequency). This variant has not been reported in the literature in individuals affected with CHRNE-related conditions. ClinVar contains an entry for this variant (Variation ID: 1508276). Advanced modeling of protein sequence and biophysical properties (such as structural, functional, and spatial information, amino acid conservation, physicochemical variation, residue mobility, and thermodynamic stability) performed at Invitae indicates that this missense variant is expected to disrupt CHRNE protein function with a positive predictive value of 95%. In summary, the available evidence is currently insufficient to determine the role of this variant in disease. Therefore, it has been classified as a Variant of Uncertain Significance.

NM_000080.4(CHRNE):c.76C>T (p.Arg26Cys)

Genes: C17orf107 (chromosome 17 open reading frame 107; plus strand), CHRNE (cholinergic receptor nicotinic epsilon subunit; minus strand). Cytogenetic location: 17p13.2.
Variant type: single nucleotide variant.
Coding change: c.76C>T on transcript NM_000080.4 (MANE Select); coding-DNA position 76, C replaced by T.
Protein change: p.Arg26Cys; replaces arginine 26 with cysteine.
Molecular consequence: missense variant. On other transcripts: 3 prime UTR variant (1).
Genome position (GRCh38, 1-based): chr17:4,902,734, G>A on the plus strand (C>T on the coding strand, the complement: CHRNE is on the minus strand). VCF-style: chr17-4902734-G-A. GRCh37 (hg19) VCF-style: chr17-4806029-G-A.
Other names: c.*2201G>A (NM_001145536.2); short protein forms R26C.
Identifiers: ClinVar variation 1508276 (VCV001508276.8), dbSNP rs773131873, ClinGen allele CA8314610.
Genomic context (GRCh38, chr17:4,902,734, plus strand): 5'-CAGGCTCCCGCACTGGCCGGCTTCCTGGGTCATAGTTGTTGAAGAGATGGTGATAAAGAC[G>A]CAGTTCCTCGTTCTTCCCCACACCCCTGCCTGCGATGGGGTCAAGAAGGAAGGGTCATTG-3'
Protein context (NP_000071.1, residues 16-36): GRGVGKNEEL[Arg26Cys]LYHHLFNNYD